The following is an entry in ClinVar:

NM_183050.4(BCKDHB):c.492del (p.Ala165fs)

Gene: BCKDHB (branched chain keto acid dehydrogenase E1 subunit beta; plus strand). Cytogenetic location: 6q14.1.
Variant type: Deletion.
Coding change: c.492del on transcript NM_183050.4 (MANE Select); coding-DNA position 492, one base deleted (T; older notation c.492delT).
Protein change: p.Ala165fs; shifts the reading frame from alanine 165.
Molecular consequence: frameshift variant. On other transcripts: non-coding transcript variant (6).
Genome position (GRCh38, 1-based): chr6:80,168,889, T deleted. VCF-style (leftmost placement, unchanged base first): chr6-80168888-CT-C. GRCh37 (hg19) VCF-style: chr6-80878605-CT-C.
Other names: c.282del, p.Ala95fs (NM_001424043.1, NM_001318975.1); c.492del, p.Ala165fs (NM_001424044.1, NM_001424045.1, NM_000056.5 and 8 more transcripts); short protein forms A165fs, A95fs.
Identifiers: ClinVar variation 4817021 (VCV004817021.1).

ClinVar aggregate classification (germline): Likely pathogenic (1 of 4 stars; one submission).

Conditions:
Maple syrup urine disease type 1B (MSUD1B). Also called: MSUD type IB; MSUD type 3 (formerly); MSUD due to deficiency of e1-beta subunit of branched-chain alpha-keto acid dehydrogenase complex. Identifiers: MedGen C2930990, MONDO:0023692, OMIM 620698.

Submission:

Natera, Inc.
Classification: Likely pathogenic for Maple syrup urine disease type 1B. Last evaluated: 2024-06-25. Review status: criteria provided, single submitter. Criteria: Natera Variant Classification Schema (03/2026). Collection method: clinical testing. Allele origin: germline.
Comment: The c.492del variant in BCKDHB is a frameshift variant predicted to shift the reading frame beginning at codon 165 and leads to a stop codon 65 codons downstream. This variant is expected to result in nonsense mediated decay, truncation, or a dysfunctional protein product. This variant is rare in the general population with a frequency below the threshold expected for the associated phenotype(s). Given the available evidence, this variant is classified as Likely Pathogenic.